The following is an entry in ClinVar:

NM_000170.3(GLDC):c.1964del (p.Pro655fs)

Gene: GLDC (glycine decarboxylase; minus strand). Cytogenetic location: 9p24.1.
Variant type: Deletion.
Coding change: c.1964del on transcript NM_000170.3 (MANE Select); coding-DNA position 1964, one base deleted (C; older notation c.1964delC).
Protein change: p.Pro655fs; shifts the reading frame from proline 655.
Molecular consequence: frameshift variant.
Genome position (GRCh38, 1-based): chr9:6,558,647, G deleted on the plus strand (C on the coding strand, the reverse complement: GLDC is on the minus strand); the first of 3 consecutive G bases (chr9:6,558,647-6,558,649); deleting any one gives the same sequence. VCF-style (leftmost placement, unchanged base first): chr9-6558646-TG-T. GRCh37 (hg19) VCF-style: chr9-6558646-TG-T.
Other names: short protein forms P655fs.
Identifiers: ClinVar variation 5015637 (VCV005015637.1).
Genomic context (GRCh38, chr9:6,558,646, plus strand): 5'-ATTCCCATATTTATCCACCTCCACAGGCTGAATCTTCATGCCTGCCATGTGGGCACTTGC[TG>T]GGTTGGTCCCATGTGCTGATTTCGGAATGAGGCAAACCTACAGAATAGAAAGGAAGCAAA-3'

ClinVar aggregate classification (germline): Pathogenic (1 of 4 stars; one submission).

Conditions:
Glycine encephalopathy 1 (GCE1). Identifiers: MedGen CN376801, MONDO:0958179, OMIM 605899.

Submission:

Myriad Genetics, Inc.
Classification: Pathogenic for Glycine encephalopathy 1. Last evaluated: 2026-03-04. Review status: criteria provided, single submitter. Criteria: Myriad Autosomal Dominant, Autosomal Recessive and X-Linked Classification Criteria (2023). Collection method: clinical testing. Allele origin: unknown.
Comment: NM_000170.2(GLDC):c.1964delC(P655Qfs*9) is expected to be pathogenic in the context of glycine encephalopathy, GLDC-related. This variant is predicted to lead to an abnormal or absent protein product due to the creation of a premature termination codon in GLDC, a gene where loss-of-function variants are known to be pathogenic. Please note: this variant was assessed in the context of healthy population screening.